The following is an entry in ClinVar:

ClinVar aggregate classification (germline): Uncertain significance. Review status: criteria provided, multiple submitters, no conflicts (2 of 4 stars). 4 submissions from 4 submitters: Uncertain significance (3). 1 of the submissions does not count toward it. Last evaluated 2022-04-08.

Conditions:
Polycystic kidney disease 4 (PKD4). Also called: Autosomal Recessive Polycystic Kidney Disease – PKHD1; POLYCYSTIC KIDNEY DISEASE 4 WITH OR WITHOUT POLYCYSTIC LIVER DISEASE; POLYCYSTIC KIDNEY AND HEPATIC DISEASE 1; POLYCYSTIC KIDNEY DISEASE, INFANTILE, TYPE I; PKD3. Identifiers: MedGen C4540575, MONDO:0033004, OMIM 263200.
Inborn genetic diseases. Identifiers: MedGen C0950123, MeSH D030342.
PKHD1-related disorder. Also called: PKHD1-related condition.

Allele frequency attached by ClinVar (database versions not stated): ExAC 0.00001; gnomAD 0.00001 and 0.00002; gnomAD exomes 0.00001; TOPMed 0.00002.

Submissions (4):

Ambry Genetics
Classification: Uncertain significance for Inborn genetic diseases. Last evaluated: 2022-04-08. Review status: criteria provided, single submitter. Criteria: Ambry Variant Classification Scheme 2023. Collection method: clinical testing. Allele origin: germline.

Fulgent Genetics
Classification: Uncertain significance for Polycystic kidney disease 4. Last evaluated: 2021-08-30. Review status: criteria provided, single submitter. Criteria: ACMG Guidelines, 2015. Collection method: clinical testing. Allele origin: unknown.

Eurofins Ntd Llc (ga)
Classification: Uncertain significance. Last evaluated: 2017-07-19. Review status: criteria provided, single submitter. Criteria: EGL Classification Definitions 2015. Collection method: clinical testing. Allele origin: germline. Observed: 1 variant allele, 1 heterozygote.

PreventionGenetics, part of Exact Sciences
Classification: Uncertain significance for PKHD1-related condition. Last evaluated: 2024-05-01. Review status: no assertion criteria provided. Collection method: clinical testing. Allele origin: germline. Not counted in ClinVar's aggregate classification.
Comment: The PKHD1 c.3779C>T variant is predicted to result in the amino acid substitution p.Ala1260Val. To our knowledge, this variant has not been reported in the literature. This variant is reported in 0.0062% of alleles in individuals of African descent in gnomAD. At this time, the clinical significance of this variant is uncertain due to the absence of conclusive functional and genetic evidence.

NM_138694.4(PKHD1):c.3779C>T (p.Ala1260Val)

Gene: PKHD1 (PKHD1 ciliary IPT domain containing fibrocystin/polyductin; minus strand). Cytogenetic location: 6p12.2.
Variant type: single nucleotide variant.
Coding change: c.3779C>T on transcript NM_138694.4 (MANE Select); coding-DNA position 3779, C replaced by T.
Protein change: p.Ala1260Val; replaces alanine 1260 with valine.
Molecular consequence: missense variant.
Genome position (GRCh38, 1-based): chr6:52,026,031, G>A on the plus strand (C>T on the coding strand, the complement: PKHD1 is on the minus strand). VCF-style: chr6-52026031-G-A. GRCh37 (hg19) VCF-style: chr6-51890829-G-A.
Other names: c.3779C>T, p.Ala1260Val (NM_170724.3); c.3779C>T (NM_138694.3); short protein forms A1260V.
Identifiers: ClinVar variation 593291 (VCV000593291.9), dbSNP rs112182862, ClinGen allele CA3852841.
Genomic context (GRCh38, chr6:52,026,031, plus strand): 5'-CGGGCGAAGAACCTGTTGCCAGCCCAGACCTCCACGGCAGCTGGAACAGTGGGAGCGCCC[G>A]CATCGGGTATCTGGGGGGCTGGCAGGGTTTCACACCAGATGCTCGCCTCCGTTAAGTTCA-3'
Protein context (NP_619639.3, residues 1250-1270): ETLPAPQIPD[Ala1260Val]GAPTVPAAVE